The following is an entry in ClinVar:

NM_001290060.2(SEMA3B):c.2148G>C (p.Leu716=)

Gene: SEMA3B (semaphorin 3B; plus strand). Cytogenetic location: 3p21.31.
Variant type: single nucleotide variant.
Coding change: c.2148G>C on transcript NM_001290060.2 (MANE Select); coding-DNA position 2148, G replaced by C.
Protein change: p.Leu716=; no amino-acid change (leucine 716 retained).
Molecular consequence: synonymous variant. On other transcripts: non-coding transcript variant (1).
Genome position (GRCh38, 1-based): chr3:50,276,604, G>C. VCF-style: chr3-50276604-G-C. GRCh37 (hg19) VCF-style: chr3-50314035-G-C.
Other names: c.2145G>C, p.Leu715= (NM_001005914.3); c.2163G>C, p.Leu721= (NM_001290061.1); c.1119G>C, p.Leu373= (NM_001290062.2, NM_001290063.2); c.2148G>C, p.Leu716= (NM_004636.4).
Identifiers: ClinVar variation 3356213 (VCV003356213.1).
Genomic context (GRCh38, chr3:50,276,604, plus strand): 5'-GGAGCCGGGCGGAGGTGGCAGCGCGAACTCCCTGCGCATGTGCCGCCCGCAGCCTGCGCT[G>C]CAGTCACTGCCCCTGGAGTCGCGGAGAAAGGGCCGTAACCGGAGGACCCACGCCCCTGAG-3'
Protein context (NP_001276989.1, residues 706-726): SLRMCRPQPA[Leu716=]QSLPLESRRK

ClinVar aggregate classification (germline): Uncertain significance (0 of 4 stars; one submission).

Conditions:
SEMA3B-related disorder. Also called: SEMA3B-related condition.

gnomAD v4.1: 4 of 1,583,682 alleles (0.00025%); highest among the groups gnomAD compares: Non-Finnish European, 0.00034%; no homozygotes.

Submission:

PreventionGenetics, part of Exact Sciences
Classification: Uncertain significance for SEMA3B-related condition. Last evaluated: 2024-01-19. Review status: no assertion criteria provided. Collection method: clinical testing. Allele origin: germline.
Comment: The SEMA3B c.2163G>C variant is not predicted to result in an amino acid change (p.=). To our knowledge, this variant has not been reported in the literature or in a large population database, indicating this variant is rare. At this time, the clinical significance of this variant is uncertain due to the absence of conclusive functional and genetic evidence.